The following is an entry in ClinVar:

ClinVar aggregate classification (germline): Uncertain significance. Review status: criteria provided, multiple submitters, no conflicts (2 of 4 stars). 2 submissions from 2 submitters: Uncertain significance (2). Last evaluated 2023-11-14.

Conditions:
Renal cell carcinoma. Identifiers: Orphanet 217071, MedGen C0007134, MeSH D002292, MONDO:0005086, HP:0005584.

Submissions (2):

GeneDx
Classification: Uncertain significance. Last evaluated: 2023-11-14. Review status: criteria provided, single submitter. Criteria: GeneDx Variant Classification Process June 2021. Collection method: clinical testing. Allele origin: germline. Affected: yes.
Comment: Not observed at significant frequency in large population cohorts (gnomAD); In silico analysis supports that this missense variant has a deleterious effect on protein structure/function; Has not been previously published as pathogenic or benign to our knowledge

Labcorp Genetics (formerly Invitae), Labcorp
Classification: Uncertain significance for Renal cell carcinoma. Last evaluated: 2023-04-20. Review status: criteria provided, single submitter. Criteria: Invitae Variant Classification Sherloc (09022015). Collection method: clinical testing. Allele origin: germline.
Comment: In summary, the available evidence is currently insufficient to determine the role of this variant in disease. Therefore, it has been classified as a Variant of Uncertain Significance. Advanced modeling of protein sequence and biophysical properties (such as structural, functional, and spatial information, amino acid conservation, physicochemical variation, residue mobility, and thermodynamic stability) performed at Invitae indicates that this missense variant is not expected to disrupt MET protein function. This variant has not been reported in the literature in individuals affected with MET-related conditions. This variant is not present in population databases (gnomAD no frequency). This sequence change replaces threonine, which is neutral and polar, with alanine, which is neutral and non-polar, at codon 1280 of the MET protein (p.Thr1280Ala).

NM_000245.4(MET):c.3784A>G (p.Thr1262Ala)

Gene: MET (MET proto-oncogene, receptor tyrosine kinase; plus strand). Cytogenetic location: 7q31.2.
Variant type: single nucleotide variant.
Coding change: c.3784A>G on transcript NM_000245.4 (MANE Select); coding-DNA position 3784, A replaced by G.
Protein change: p.Thr1262Ala; replaces threonine 1262 with alanine.
Molecular consequence: missense variant.
Genome position (GRCh38, 1-based): chr7:116,783,455, A>G. VCF-style: chr7-116783455-A-G. GRCh37 (hg19) VCF-style: chr7-116423509-A-G.
Other names: c.3838A>G, p.Thr1280Ala (NM_001127500.3); c.2494A>G, p.Thr832Ala (NM_001324402.2); short protein forms T1262A, T1280A, T832A.
Identifiers: ClinVar variation 2973911 (VCV002973911.4), dbSNP rs2485836649, ClinGen allele CA368992031.
Genomic context (GRCh38, chr7:116,783,455, plus strand): 5'-GGTGCAAAGCTGCCAGTGAAGTGGATGGCTTTGGAAAGTCTGCAAACTCAAAAGTTTACC[A>G]CCAAGTCAGATGTGGTAATGTATTGGTTATCTCTGAGTTTCTCCTCTTTTACTTTCATAT-3'
Protein context (NP_000236.2, residues 1252-1272): LESLQTQKFT[Thr1262Ala]KSDVWSFGVL